The following is an entry in ClinVar:

NM_001286581.2(PHRF1):c.2843C>T (p.Ser948Phe)

Gene: PHRF1 (PHD and ring finger domains 1; plus strand). Cytogenetic location: 11p15.5.
Variant type: single nucleotide variant.
Coding change: c.2843C>T on transcript NM_001286581.2 (MANE Select); coding-DNA position 2843, C replaced by T.
Protein change: p.Ser948Phe; replaces serine 948 with phenylalanine.
Molecular consequence: missense variant.
Genome position (GRCh38, 1-based): chr11:608,299, C>T. VCF-style: chr11-608299-C-T. GRCh37 (hg19) VCF-style: chr11-608299-C-T.
Other names: c.2837C>T, p.Ser946Phe (NM_001286582.2); c.2831C>T, p.Ser944Phe (NM_001286583.2); c.2840C>T, p.Ser947Phe (NM_020901.4); short protein forms S946F, S947F, S944F, S948F.
Identifiers: ClinVar variation 2411337 (VCV002411337.26), dbSNP rs200183606, ClinGen allele CA5782616.

ClinVar aggregate classification (germline): Conflicting classifications of pathogenicity. Review status: criteria provided, conflicting classifications (1 of 4 stars). 2 submissions from 2 submitters: Uncertain significance (1); Likely benign (1). Last evaluated 2023-06-01.

Allele frequency attached by ClinVar (database versions not stated): ESP Exome Variant Server 0.00016; gnomAD exomes 0.00022; gnomAD 0.00028; TOPMed 0.00029; ExAC 0.00034.
gnomAD v4.1: 397 of 1,609,304 alleles (0.025%); highest among the groups gnomAD compares: Middle Eastern, 0.034%; 3 homozygotes.

Submissions (2):

CeGaT Center for Human Genetics Tuebingen
Classification: Likely benign. Last evaluated: 2023-06-01. Review status: criteria provided, single submitter. Criteria: CeGaT Center For Human Genetics Tuebingen Variant Classification Criteria Version 2. Collection method: clinical testing. Allele origin: germline. Affected: yes. Observed: 1 variant allele.
Comment: PHRF1: BP4

Ambry Genetics
Classification: Uncertain significance. Last evaluated: 2021-07-16. Review status: criteria provided, single submitter. Criteria: Ambry Variant Classification Scheme 2023. Collection method: clinical testing. Allele origin: germline.